The following is an entry in ClinVar:

NM_005445.4(SMC3):c.3263C>G (p.Pro1088Arg)

Gene: SMC3 (structural maintenance of chromosomes 3; plus strand). Cytogenetic location: 10q25.2.
Variant type: single nucleotide variant.
Coding change: c.3263C>G on transcript NM_005445.4 (MANE Select); coding-DNA position 3263, C replaced by G.
Protein change: p.Pro1088Arg; replaces proline 1088 with arginine.
Molecular consequence: missense variant.
Genome position (GRCh38, 1-based): chr10:110,602,631, C>G. VCF-style: chr10-110602631-C-G. GRCh37 (hg19) VCF-style: chr10-112362389-C-G.
Other names: short protein forms P1088R.
Identifiers: ClinVar variation 2186109 (VCV002186109.4), dbSNP rs765693201, ClinGen allele CA5688382.

ClinVar aggregate classification (germline): Uncertain significance (1 of 4 stars; one submission).

Conditions:
Cornelia de Lange syndrome 3 (CDLS3). Also called: SMC3-Related Cornelia de Lange Syndrome; CORNELIA DE LANGE SYNDROME 3 WITH OR WITHOUT MIDLINE BRAIN DEFECTS. Identifiers: Orphanet 199, MedGen C1853099, MONDO:0012555, OMIM 610759.

gnomAD v4.1: 1 of 1,614,028 alleles (0.000062%); highest among the groups gnomAD compares: Admixed American, 0.0017%; no homozygotes.

Submission:

Labcorp Genetics (formerly Invitae), Labcorp
Classification: Uncertain significance for Cornelia de Lange syndrome 3. Last evaluated: 2022-05-27. Review status: criteria provided, single submitter. Criteria: Invitae Variant Classification Sherloc (09022015). Collection method: clinical testing. Allele origin: germline.
Comment: In summary, the available evidence is currently insufficient to determine the role of this variant in disease. Therefore, it has been classified as a Variant of Uncertain Significance. Algorithms developed to predict the effect of missense changes on protein structure and function are either unavailable or do not agree on the potential impact of this missense change (SIFT: "Tolerated"; PolyPhen-2: "Possibly Damaging"; Align-GVGD: "Class C0"). This variant has not been reported in the literature in individuals affected with SMC3-related conditions. This variant is present in population databases (rs765693201, gnomAD no frequency). This sequence change replaces proline, which is neutral and non-polar, with arginine, which is basic and polar, at codon 1088 of the SMC3 protein (p.Pro1088Arg).